The following is an entry in ClinVar:

NM_152424.4(AMER1):c.1198G>A (p.Glu400Lys)

Gene: AMER1 (APC membrane recruitment protein 1; minus strand). Cytogenetic location: Xq11.2.
Variant type: single nucleotide variant.
Coding change: c.1198G>A on transcript NM_152424.4 (MANE Select); coding-DNA position 1198, G replaced by A.
Protein change: p.Glu400Lys; replaces glutamic acid 400 with lysine.
Molecular consequence: missense variant.
Genome position (GRCh38, 1-based): chrX:64,192,089, C>T on the plus strand (G>A on the coding strand, the complement: AMER1 is on the minus strand). VCF-style: chrX-64192089-C-T. GRCh37 (hg19) VCF-style: chrX-63411969-C-T.
Other names: short protein forms E400K.
Identifiers: ClinVar variation 2852921 (VCV002852921.3), dbSNP rs772039801, ClinGen allele CA10432375.
Genomic context (GRCh38, chrX:64,192,089, plus strand): 5'-TGGGCCGTGGATACATTTGGGCAGTTTCCCACAGATATTCTAAGTCATCATCTTCTTCCT[C>T]CTCCTTAACCTCCTCTTCTTCCTCCTCTAATTCCACCTCTTCTTCCTCTTCTTCCTCCTC-3'
Protein context (NP_689637.3, residues 390-410): LEEEEEEVKE[Glu400Lys]EEDDDLEYLW

ClinVar aggregate classification (germline): Uncertain significance (1 of 4 stars; one submission).

Allele frequency attached by ClinVar (database versions not stated): ExAC 0.00001.

Submission:

Labcorp Genetics (formerly Invitae), Labcorp
Classification: Uncertain significance. Last evaluated: 2023-04-06. Review status: criteria provided, single submitter. Criteria: Invitae Variant Classification Sherloc (09022015). Collection method: clinical testing. Allele origin: germline.
Comment: In summary, the available evidence is currently insufficient to determine the role of this variant in disease. Therefore, it has been classified as a Variant of Uncertain Significance. An algorithm developed to predict the effect of missense changes on protein structure and function (PolyPhen-2) suggests that this variant is likely to be disruptive. This sequence change replaces glutamic acid, which is acidic and polar, with lysine, which is basic and polar, at codon 400 of the AMER1 protein (p.Glu400Lys). This variant is present in population databases (rs772039801, gnomAD 0.008%), including at least one homozygous and/or hemizygous individual. This variant has not been reported in the literature in individuals affected with AMER1-related conditions.